The following is an entry in ClinVar:

ClinVar aggregate classification (germline): Likely benign (1 of 4 stars; one submission).

Conditions:
Familial cancer of breast. Also called: BREAST CANCER, FAMILIAL; Hereditary breast cancer; hereditary breast carcinoma. Identifiers: Orphanet 227535, MedGen C0346153, MONDO:0016419, OMIM 114480. Disease mechanism: loss of function.

Allele frequency attached by ClinVar (database versions not stated): gnomAD 0.00001.
gnomAD v4.1: 1 of 1,536,910 alleles (0.000065%); highest among the groups gnomAD compares: African/African-American, 0.0014%; no homozygotes.

Submission:

Myriad Genetics, Inc.
Classification: Likely benign for Familial cancer of breast. Last evaluated: 2024-04-19. Review status: criteria provided, single submitter. Criteria: Myriad Autosomal Dominant, Autosomal Recessive and X-Linked Classification Criteria (2023). Collection method: clinical testing. Allele origin: unknown.
Comment: This variant is considered likely benign. This variant is intronic and is not expected to impact mRNA splicing.

NM_000051.4(ATM):c.497-4T>C

Gene: ATM (ATM serine/threonine kinase; plus strand). Cytogenetic location: 11q22.3.
Variant type: single nucleotide variant.
Coding change: c.497-4T>C on transcript NM_000051.4 (MANE Select); 4 bases into the intron before coding-DNA position 497, T replaced by C.
Molecular consequence: intron variant.
Genome position (GRCh38, 1-based): chr11:108,243,949, T>C. VCF-style: chr11-108243949-T-C. GRCh37 (hg19) VCF-style: chr11-108114676-T-C.
Other names: c.497-4T>C (NM_001351834.2).
Identifiers: ClinVar variation 3254219 (VCV003254219.1), dbSNP rs876659621.